The following is an entry in ClinVar:

ClinVar aggregate classification (germline): Pathogenic (1 of 4 stars; one submission).

gnomAD v4.1: 1 of 1,549,280 alleles (0.000065%); highest among the groups gnomAD compares: Non-Finnish European, 0.000087%; no homozygotes.

Submission:

Labcorp Genetics (formerly Invitae), Labcorp
Classification: Pathogenic. Last evaluated: 2024-04-01. Review status: criteria provided, single submitter. Criteria: Invitae Variant Classification Sherloc (09022015). Collection method: clinical testing. Allele origin: germline.
Comment: This sequence change creates a premature translational stop signal (p.Gln642*) in the ZNF469 gene. It is expected to result in an absent or disrupted protein product. Loss-of-function variants in ZNF469 are known to be pathogenic (PMID: 23642083, 23680354). This variant is not present in population databases (gnomAD no frequency). This variant has not been reported in the literature in individuals affected with ZNF469-related conditions. For these reasons, this variant has been classified as Pathogenic.

Literature cited by the submitters: PubMed 23642083; PubMed 23680354.

NM_001367624.2(ZNF469):c.1924C>T (p.Gln642Ter)

Gene: ZNF469 (zinc finger protein 469; plus strand). Cytogenetic location: 16q24.2.
Variant type: single nucleotide variant.
Coding change: c.1924C>T on transcript NM_001367624.2 (MANE Select); coding-DNA position 1924, C replaced by T.
Protein change: p.Gln642Ter; replaces glutamine 642 with a stop codon.
Molecular consequence: nonsense.
Genome position (GRCh38, 1-based): chr16:88,429,394, C>T. VCF-style: chr16-88429394-C-T. GRCh37 (hg19) VCF-style: chr16-88495802-C-T.
Other names: short protein forms Q642*.
Identifiers: ClinVar variation 3648212 (VCV003648212.2).